The following is an entry in ClinVar:

ClinVar aggregate classification (germline): Likely benign. Review status: criteria provided, single submitter (1 of 4 stars). 2 submissions from 2 submitters: Likely benign (1). 1 of the submissions does not count toward it. Last evaluated 2025-05-01.

Conditions:
MYBPC2-related disorder. Also called: MYBPC2-related condition.

Allele frequency attached by ClinVar (database versions not stated): 1000 Genomes Project 30x 0.00141; 1000 Genomes Project 0.00160; gnomAD 0.00249; TOPMed 0.00268; ExAC 0.00369; ESP Exome Variant Server 0.00407.
gnomAD v4.1: 5,582 of 1,587,182 alleles (0.35%); highest among the groups gnomAD compares: Non-Finnish European, 0.45%; 15 homozygotes.

Submissions (2):

CeGaT Center for Human Genetics Tuebingen
Classification: Likely benign. Last evaluated: 2025-05-01. Review status: criteria provided, single submitter. Criteria: CeGaT Center For Human Genetics Tuebingen Variant Classification Criteria Version 2. Collection method: clinical testing. Allele origin: germline. Affected: yes. Observed: 1 variant allele.
Comment: MYBPC2: BS2

PreventionGenetics, part of Exact Sciences
Classification: Likely benign for MYBPC2-related condition. Last evaluated: 2022-08-09. Review status: no assertion criteria provided. Collection method: clinical testing. Allele origin: germline. Not counted in ClinVar's aggregate classification.
Comment: This variant is classified as likely benign based on ACMG/AMP sequence variant interpretation guidelines (Richards et al. 2015 PMID: 25741868, with internal and published modifications).

NM_004533.4(MYBPC2):c.1653G>T (p.Glu551Asp)

Gene: MYBPC2 (myosin binding protein C2; plus strand). Cytogenetic location: 19q13.33.
Variant type: single nucleotide variant.
Coding change: c.1653G>T on transcript NM_004533.4 (MANE Select); coding-DNA position 1653, G replaced by T.
Protein change: p.Glu551Asp; replaces glutamic acid 551 with aspartic acid.
Molecular consequence: missense variant.
Genome position (GRCh38, 1-based): chr19:50,451,907, G>T. VCF-style: chr19-50451907-G-T. GRCh37 (hg19) VCF-style: chr19-50955164-G-T.
Other names: c.1653G>T (NM_004533.3); short protein forms E551D.
Identifiers: ClinVar variation 2650336 (VCV002650336.25), dbSNP rs199625688, ClinGen allele CA9597805.